The following is an entry in ClinVar:

ClinVar aggregate classification (germline): Uncertain significance (1 of 4 stars; one submission).

Submission:

Labcorp Genetics (formerly Invitae), Labcorp
Classification: Uncertain significance. Last evaluated: 2026-01-31. Review status: criteria provided, single submitter. Criteria: Invitae Variant Classification Sherloc (09022015). Collection method: clinical testing. Allele origin: germline.
Comment: This sequence change replaces glycine, which is neutral and non-polar, with aspartic acid, which is acidic and polar, at codon 2881 of the KMT2A protein (p.Gly2881Asp). The frequency data for this variant in the population databases is considered unreliable, as metrics indicate poor data quality at this position in the gnomAD database. This variant has not been reported in the literature in individuals affected with KMT2A-related conditions. Invitae Evidence Modeling of protein sequence and biophysical properties (such as structural, functional, and spatial information, amino acid conservation, physicochemical variation, residue mobility, and thermodynamic stability) indicates that this missense variant is not expected to disrupt KMT2A protein function with a negative predictive value of 95%. In summary, the available evidence is currently insufficient to determine the role of this variant in disease. Therefore, it has been classified as a Variant of Uncertain Significance.

NM_001197104.2(KMT2A):c.8642G>A (p.Gly2881Asp)

Gene: KMT2A (lysine methyltransferase 2A; plus strand). Cytogenetic location: 11q23.3.
Variant type: single nucleotide variant.
Coding change: c.8642G>A on transcript NM_001197104.2 (MANE Select); coding-DNA position 8642, G replaced by A.
Protein change: p.Gly2881Asp; replaces glycine 2881 with aspartic acid.
Molecular consequence: missense variant.
Genome position (GRCh38, 1-based): chr11:118,504,534, G>A. VCF-style: chr11-118504534-G-A. GRCh37 (hg19) VCF-style: chr11-118375249-G-A.
Other names: c.8732G>A, p.Gly2911Asp (NM_001412597.1); c.8633G>A, p.Gly2878Asp (NM_005933.4); short protein forms G2878D, G2881D, G2911D.
Identifiers: ClinVar variation 4807058 (VCV004807058.1).